The following is an entry in ClinVar:

ClinVar aggregate classification (germline): Likely benign (1 of 4 stars; one submission).

Conditions:
Hyperglycinuria. Also called: GLYCINURIA WITH OR WITHOUT OXALATE NEPHROLITHIASIS; GLYCINURIA WITH OR WITHOUT OXALATE UROLITHIASIS; IMINOGLYCINURIA TYPE II. Identifiers: MedGen C0543541, MONDO:0007677, OMIM 138500, HP:0003108.

Allele frequency attached by ClinVar (database versions not stated): 1000 Genomes Project 0.00399; 1000 Genomes Project 30x 0.00437; TOPMed 0.00830; gnomAD 0.00909 and 0.00930; gnomAD exomes 0.01329.
gnomAD v4.1: 17,336 of 1,368,172 alleles (1.3%); highest among the groups gnomAD compares: Non-Finnish European, 1.5%; 126 homozygotes.

Submission:

Illumina Laboratory Services, Illumina
Classification: Likely benign for Hyperglycinuria. Last evaluated: 2018-01-12. Review status: criteria provided, single submitter. Criteria: ICSL Variant Classification Criteria 13 December 2019. Collection method: clinical testing. Allele origin: germline.
Comment: This variant was observed in the ICSL laboratory as part of a predisposition screen in an ostensibly healthy population. It had not been previously curated by ICSL or reported in the Human Gene Mutation Database (HGMD: prior to June 1st, 2018), and was therefore a candidate for classification through an automated scoring system. Utilizing variant allele frequency, disease prevalence and penetrance estimates, and inheritance mode, an automated score was calculated to assess if this variant is too frequent to cause the disease. Based on the score and internal cut-off values, a variant classified as likely benign is not then subjected to further curation. The score for this variant resulted in a classification of likely benign for this disease.

NM_020208.4(SLC6A20):c.*146A>G

Gene: SLC6A20 (solute carrier family 6 member 20; minus strand). Cytogenetic location: 3p21.31.
Variant type: single nucleotide variant.
Coding change: c.*146A>G on transcript NM_020208.4 (MANE Select); 146 bases downstream of the stop codon, A replaced by G.
Molecular consequence: 3 prime UTR variant.
Genome position (GRCh38, 1-based): chr3:45,758,832, T>C on the plus strand (A>G on the coding strand, the complement: SLC6A20 is on the minus strand). VCF-style: chr3-45758832-T-C. GRCh37 (hg19) VCF-style: chr3-45800324-T-C.
Other names: c.*146A>G (NM_022405.4).
Identifiers: ClinVar variation 900795 (VCV000900795.4), dbSNP rs151248695, ClinGen allele CA73637974.